The following is an entry in ClinVar:

NM_001023.4(RPS20):c.42G>A (p.Glu14=)

Gene: RPS20 (ribosomal protein S20; minus strand). Cytogenetic location: 8q12.1.
Variant type: single nucleotide variant.
Coding change: c.42G>A on transcript NM_001023.4 (MANE Select); coding-DNA position 42, G replaced by A.
Protein change: p.Glu14=; no amino-acid change (glutamic acid 14 retained).
Molecular consequence: synonymous variant.
Genome position (GRCh38, 1-based): chr8:56,074,121, C>T on the plus strand (G>A on the coding strand, the complement: RPS20 is on the minus strand). VCF-style: chr8-56074121-C-T. GRCh37 (hg19) VCF-style: chr8-56986680-C-T.
Other names: c.42G>A, p.Glu14= (NM_001146227.3).
Identifiers: ClinVar variation 4156744 (VCV004156744.2).

ClinVar aggregate classification (germline): Benign/Likely benign. Review status: criteria provided, multiple submitters, no conflicts (2 of 4 stars). 2 submissions from 2 submitters: Benign (1); Likely benign (1). Last evaluated 2026-08-03.

Conditions:
Familial colorectal cancer type X. Identifiers: Orphanet 440437, MedGen C3896578, MONDO:0018604.

Submissions (2):

Myriad Genetics, Inc.
Classification: Benign for Familial colorectal cancer type X. Last evaluated: 2026-08-03. Review status: criteria provided, single submitter. Criteria: Myriad Autosomal Dominant, Autosomal Recessive and X-Linked Classification Criteria (2023). Collection method: clinical testing. Allele origin: unknown.
Comment: This variant is considered benign. This variant is a silent/synonymous amino acid change and it is not expected to impact splicing.

Ambry Genetics
Classification: Likely benign. Last evaluated: 2025-09-07. Review status: criteria provided, single submitter. Criteria: Ambry Variant Classification Scheme 2023. Collection method: clinical testing. Allele origin: germline.